The following is an entry in ClinVar:

ClinVar aggregate classification (germline): Uncertain significance (1 of 4 stars; one submission).

Conditions:
Severe combined immunodeficiency due to DNA-PKcs deficiency. Also called: Immunodeficiency 26 with or without neurologic abnormalities; IMMUNODEFICIENCY 26 WITH NEUROLOGIC ABNORMALITIES. Identifiers: Orphanet 317425, MedGen C4014833, MONDO:0014423, OMIM 615966.

Allele frequency attached by ClinVar (database versions not stated): TOPMed 0.00001.

Submission:

Labcorp Genetics (formerly Invitae), Labcorp
Classification: Uncertain significance for Severe combined immunodeficiency due to DNA-PKcs deficiency. Last evaluated: 2023-09-11. Review status: criteria provided, single submitter. Criteria: Invitae Variant Classification Sherloc (09022015). Collection method: clinical testing. Allele origin: germline.
Comment: This sequence change replaces aspartic acid, which is acidic and polar, with glycine, which is neutral and non-polar, at codon 2537 of the PRKDC protein (p.Asp2537Gly). This variant is not present in population databases (gnomAD no frequency). This variant has not been reported in the literature in individuals affected with PRKDC-related conditions. Advanced modeling of protein sequence and biophysical properties (such as structural, functional, and spatial information, amino acid conservation, physicochemical variation, residue mobility, and thermodynamic stability) performed at Invitae indicates that this missense variant is not expected to disrupt PRKDC protein function. In summary, the available evidence is currently insufficient to determine the role of this variant in disease. Therefore, it has been classified as a Variant of Uncertain Significance.

NM_006904.7(PRKDC):c.7610A>G (p.Asp2537Gly)

Gene: PRKDC (protein kinase, DNA-activated, catalytic subunit; minus strand). Cytogenetic location: 8q11.21.
Variant type: single nucleotide variant.
Coding change: c.7610A>G on transcript NM_006904.7 (MANE Select); coding-DNA position 7610, A replaced by G.
Protein change: p.Asp2537Gly; replaces aspartic acid 2537 with glycine.
Molecular consequence: missense variant.
Genome position (GRCh38, 1-based): chr8:47,837,363, T>C on the plus strand (A>G on the coding strand, the complement: PRKDC is on the minus strand). VCF-style: chr8-47837363-T-C. GRCh37 (hg19) VCF-style: chr8-48749924-T-C.
Other names: c.7610A>G, p.Asp2537Gly (NM_001081640.2); short protein forms D2537G.
Identifiers: ClinVar variation 2755385 (VCV002755385.3), dbSNP rs927598573, ClinGen allele CA176156397.
Genomic context (GRCh38, chr8:47,837,363, plus strand): 5'-AAACTTAAAAAGTGCACTTCTATCTTAGGAGAATATAAGGAATTTAGTGCCAGCAACCGG[T>C]CCAAGGTATTTGAAGGTAACCTAGTTTCATGGCTCCAGAAATTTCGAATAATTAATCTGA-3'
Protein context (NP_008835.5, residues 2527-2547): HETRLPSNTL[Asp2537Gly]RLLALNSLYS